The following is an entry in ClinVar:

ClinVar aggregate classification (germline): Uncertain significance (1 of 4 stars; one submission).

Submission:

GeneDx
Classification: Uncertain significance. Last evaluated: 2025-05-29. Review status: criteria provided, single submitter. Criteria: GeneDx Variant Classification Process June 2021. Collection method: clinical testing. Allele origin: germline. Affected: yes.
Comment: Not observed at significant frequency in large population cohorts (gnomAD); In silico analysis supports that this missense variant has a deleterious effect on protein structure/function; Has not been previously published as pathogenic or benign to our knowledge

NM_032217.5(ANKRD17):c.1364A>G (p.Asp455Gly)

Gene: ANKRD17 (ankyrin repeat domain 17; minus strand). Cytogenetic location: 4q13.3.
Variant type: single nucleotide variant.
Coding change: c.1364A>G on transcript NM_032217.5 (MANE Select); coding-DNA position 1364, A replaced by G.
Protein change: p.Asp455Gly; replaces aspartic acid 455 with glycine.
Molecular consequence: missense variant.
Genome position (GRCh38, 1-based): chr4:73,149,016, T>C on the plus strand (A>G on the coding strand, the complement: ANKRD17 is on the minus strand). VCF-style: chr4-73149016-T-C. GRCh37 (hg19) VCF-style: chr4-74014733-T-C.
Other names: c.1025A>G, p.Asp342Gly (NM_001286771.3); c.1364A>G, p.Asp455Gly (NM_015574.2, NM_198889.3); short protein forms D342G, D455G.
Identifiers: ClinVar variation 4532570 (VCV004532570.1).